The following is an entry in ClinVar:

ClinVar aggregate classification (germline): Benign/Likely benign. Review status: criteria provided, multiple submitters, no conflicts (2 of 4 stars). 5 submissions from 5 submitters: Benign (1); Likely benign (4). Last evaluated 2026-01-26.

Conditions:
Birt-Hogg-Dube syndrome 1 (BHD1). Also called: FIBROFOLLICULOMAS WITH TRICHODISCOMAS AND ACROCHORDONS. Identifiers: Orphanet 122, MedGen CN375946, MONDO:0800445, OMIM 135150.
Hereditary cancer-predisposing syndrome. Also called: Hereditary Cancer Syndrome; Neoplastic Syndromes, Hereditary; Hereditary neoplastic syndrome; Tumor predisposition. Identifiers: Orphanet 140162, MedGen C0027672, MeSH D009386, MONDO:0015356.
Birt-Hogg-Dube syndrome. Also called: Birt Hogg Dubé syndrome. Identifiers: Orphanet 122, MedGen C0346010, MONDO:0800444.

Allele frequency attached by ClinVar (database versions not stated): gnomAD 0.00001; gnomAD exomes 0.00001; TOPMed 0.00001; ExAC 0.00003.
gnomAD v4.1: 17 of 1,613,504 alleles (0.0011%); highest among the groups gnomAD compares: Admixed American, 0.005%; no homozygotes.

Submissions (5):

Labcorp Genetics (formerly Invitae), Labcorp
Classification: Likely benign for Birt-Hogg-Dube syndrome. Last evaluated: 2026-01-26. Review status: criteria provided, single submitter. Criteria: Invitae Variant Classification Sherloc (09022015). Collection method: clinical testing. Allele origin: germline.

Center for Genomic Medicine, Rigshospitalet, Copenhagen University Hospital
Classification: Likely benign. Last evaluated: 2025-03-04. Review status: criteria provided, single submitter. Criteria: ACMG Guidelines, 2015. Collection method: clinical testing. Allele origin: germline.

Myriad Genetics, Inc.
Classification: Benign for Birt-Hogg-Dube syndrome 1. Last evaluated: 2024-10-24. Review status: criteria provided, single submitter. Criteria: Myriad Autosomal Dominant, Autosomal Recessive and X-Linked Classification Criteria (2023). Collection method: clinical testing. Allele origin: unknown.
Comment: This variant is considered benign. This variant is a silent/synonymous amino acid change and it is not expected to impact splicing.

Quest Diagnostics Nichols Institute San Juan Capistrano
Classification: Likely benign. Last evaluated: 2021-08-25. Review status: criteria provided, single submitter. Criteria: Quest Diagnostics criteria. Collection method: clinical testing. Allele origin: unknown.

Ambry Genetics
Classification: Likely benign for Hereditary cancer-predisposing syndrome. Last evaluated: 2018-06-18. Review status: criteria provided, single submitter. Criteria: Ambry Variant Classification Scheme 2023. Collection method: clinical testing. Allele origin: germline.

NM_144997.7(FLCN):c.1266G>A (p.Pro422=)

Gene: FLCN (folliculin; minus strand). Cytogenetic location: 17p11.2.
Variant type: single nucleotide variant.
Coding change: c.1266G>A on transcript NM_144997.7 (MANE Select); coding-DNA position 1266, G replaced by A.
Protein change: p.Pro422=; no amino-acid change (proline 422 retained).
Molecular consequence: synonymous variant.
Genome position (GRCh38, 1-based): chr17:17,216,414, C>T on the plus strand (G>A on the coding strand, the complement: FLCN is on the minus strand). VCF-style: chr17-17216414-C-T. GRCh37 (hg19) VCF-style: chr17-17119728-C-T.
Other names: c.1320G>A, p.Pro440= (NM_001353229.2); c.1266G>A, p.Pro422= (NM_001353230.2, NM_001353231.2).
Identifiers: ClinVar variation 818739 (VCV000818739.15), dbSNP rs751013842, ClinGen allele CA8416083.